The following is an entry in ClinVar:

NM_001846.4(COL4A2):c.862G>A (p.Gly288Ser)

Gene: COL4A2 (collagen type IV alpha 2 chain; plus strand). Cytogenetic location: 13q34.
Variant type: single nucleotide variant.
Coding change: c.862G>A on transcript NM_001846.4 (MANE Select); coding-DNA position 862, G replaced by A.
Protein change: p.Gly288Ser; replaces glycine 288 with serine.
Molecular consequence: missense variant.
Genome position (GRCh38, 1-based): chr13:110,438,618, G>A. VCF-style: chr13-110438618-G-A. GRCh37 (hg19) VCF-style: chr13-111090965-G-A.
Other names: c.862G>A (NM_001846.2); short protein forms G288S.
Identifiers: ClinVar variation 3604251 (VCV003604251.3).

ClinVar aggregate classification (germline): Uncertain significance. Review status: criteria provided, multiple submitters, no conflicts (2 of 4 stars). 2 submissions from 2 submitters: Uncertain significance (2). Last evaluated 2025-11-15.

Conditions:
Inborn genetic diseases. Identifiers: MedGen C0950123, MeSH D030342.

gnomAD v4.1: 4 of 1,614,094 alleles (0.00025%); highest among the groups gnomAD compares: Non-Finnish European, 0.00034%; no homozygotes.

Submissions (2):

Labcorp Genetics (formerly Invitae), Labcorp
Classification: Uncertain significance. Last evaluated: 2025-11-15. Review status: criteria provided, single submitter. Criteria: Invitae Variant Classification Sherloc (09022015). Collection method: clinical testing. Allele origin: germline.
Comment: This sequence change replaces glycine, which is neutral and non-polar, with serine, which is neutral and polar, at codon 288 of the COL4A2 protein (p.Gly288Ser). This variant is present in population databases (no rsID available, gnomAD 0.003%). This variant has not been reported in the literature in individuals affected with COL4A2-related conditions. ClinVar contains an entry for this variant (Variation ID: 3604251). An algorithm developed to predict the effect of missense changes on protein structure and function (PolyPhen-2) suggests that this variant is likely to be disruptive. Algorithms developed to predict the effect of sequence changes on RNA splicing suggest that this variant may disrupt the consensus splice site. In summary, the available evidence is currently insufficient to determine the role of this variant in disease. Therefore, it has been classified as a Variant of Uncertain Significance.

Ambry Genetics
Classification: Uncertain significance for Inborn genetic diseases. Last evaluated: 2025-01-31. Review status: criteria provided, single submitter. Criteria: Ambry Variant Classification Scheme 2023. Collection method: clinical testing. Allele origin: germline.